The following is an entry in ClinVar:

ClinVar aggregate classification (germline): Uncertain significance (1 of 4 stars; one submission).

gnomAD v4.1: 15 of 1,614,004 alleles (0.00093%); highest among the groups gnomAD compares: African/African-American, 0.0027%; no homozygotes.

Submission:

Labcorp Genetics (formerly Invitae), Labcorp
Classification: Uncertain significance. Last evaluated: 2025-04-08. Review status: criteria provided, single submitter. Criteria: Invitae Variant Classification Sherloc (09022015). Collection method: clinical testing. Allele origin: germline.
Comment: This sequence change replaces glutamic acid, which is acidic and polar, with lysine, which is basic and polar, at codon 708 of the IGF1R protein (p.Glu708Lys). This variant is present in population databases (no rsID available, gnomAD 0.007%). This variant has not been reported in the literature in individuals affected with IGF1R-related conditions. ClinVar contains an entry for this variant (Variation ID: 3708578). Invitae Evidence Modeling of protein sequence and biophysical properties (such as structural, functional, and spatial information, amino acid conservation, physicochemical variation, residue mobility, and thermodynamic stability) indicates that this missense variant is not expected to disrupt IGF1R protein function with a negative predictive value of 80%. In summary, the available evidence is currently insufficient to determine the role of this variant in disease. Therefore, it has been classified as a Variant of Uncertain Significance.

NM_000875.5(IGF1R):c.2122G>A (p.Glu708Lys)

Gene: IGF1R (insulin like growth factor 1 receptor; plus strand). Cytogenetic location: 15q26.3.
Variant type: single nucleotide variant.
Coding change: c.2122G>A on transcript NM_000875.5 (MANE Select); coding-DNA position 2122, G replaced by A.
Protein change: p.Glu708Lys; replaces glutamic acid 708 with lysine.
Molecular consequence: missense variant.
Genome position (GRCh38, 1-based): chr15:98,916,797, G>A. VCF-style: chr15-98916797-G-A. GRCh37 (hg19) VCF-style: chr15-99460026-G-A.
Other names: c.2122G>A, p.Glu708Lys (NM_001291858.2); short protein forms E708K.
Identifiers: ClinVar variation 3708578 (VCV003708578.2).